The following is an entry in ClinVar:

ClinVar aggregate classification (germline): Likely pathogenic. Review status: criteria provided, multiple submitters, no conflicts (2 of 4 stars). 2 submissions from 2 submitters: Likely pathogenic (2). Last evaluated 2025-01-20.

Conditions:
Heimler syndrome 1 (HMLR1). Also called: PEROXISOME BIOGENESIS DISORDER 1C. Identifiers: Orphanet 3220, MedGen C4551980, OMIM 234580, MONDO:0024544.
Zellweger spectrum disorders (ZS). Also called: Zellweger syndrome; Zellweger Spectrum Disorder (ZSD); Zellweger Spectrum Disorder; Zellweger Spectrum. Identifiers: Orphanet 912, MedGen C0043459, MONDO:0019609.

Submissions (2):

Natera, Inc.
Classification: Likely pathogenic for Zellweger syndrome. Last evaluated: 2025-01-20. Review status: criteria provided, single submitter. Criteria: Natera Variant Classification Schema (03/2026). Collection method: clinical testing. Allele origin: germline.
Comment: The c.1652T>A variant in PEX1 is a nonsense variant predicted to introduce a stop codon at amino acid 551. This variant is expected to result in nonsense mediated decay, truncation, or a dysfunctional protein product. This variant is rare in the general population with a frequency below the threshold expected for the associated phenotype(s). Given the available evidence, this variant is classified as Likely Pathogenic.

Baylor Genetics
Classification: Likely pathogenic for Heimler syndrome 1. Last evaluated: 2024-02-08. Review status: criteria provided, single submitter. Criteria: ACMG Guidelines, 2015. Collection method: clinical testing. Allele origin: unknown.

NM_000466.3(PEX1):c.1652T>A (p.Leu551Ter)

Gene: PEX1 (peroxisomal biogenesis factor 1; minus strand). Cytogenetic location: 7q21.2.
Variant type: single nucleotide variant.
Coding change: c.1652T>A on transcript NM_000466.3 (MANE Select); coding-DNA position 1652, T replaced by A.
Protein change: p.Leu551Ter; replaces leucine 551 with a stop codon.
Molecular consequence: nonsense.
Genome position (GRCh38, 1-based): chr7:92,509,347, A>T on the plus strand (T>A on the coding strand, the complement: PEX1 is on the minus strand). VCF-style: chr7-92509347-A-T. GRCh37 (hg19) VCF-style: chr7-92138661-A-T.
Other names: c.1652T>A (NM_000466.2); c.1652T>A, p.Leu551Ter (NM_001282677.2); c.1028T>A, p.Leu343Ter (NM_001282678.2); short protein forms L343*, L551*.
Identifiers: ClinVar variation 2677635 (VCV002677635.3), dbSNP rs2484681972, ClinGen allele CA368188260.